The following continues an entry in ClinVar:

NM_000245.4(MET):c.2975C>T (p.Thr992Ile)

Gene: MET. ClinVar aggregate classification (germline): Conflicting classifications of pathogenicity. Uncertain significance (3); Benign (17); Likely benign (2).

Submissions 19 to 30 of 30:

Women's Health and Genetics/Laboratory Corporation of America, LabCorp
Classification: Benign. Last evaluated: 2016-08-18. Review status: criteria provided, single submitter. Criteria: LabCorp Variant Classification Summary - May 2015. Collection method: clinical testing. Allele origin: germline.
Comment: Variant summary: The c.3029C>T (p.Thr1010Ile) in MET gene is a missense change that involves a conserved nucleotide and 3/4 in silico tools predict deleterious outcome. The variant falls into c-MET JM domain that regulates cytoskeletal functions: adhesion, motility, and migration and Mutation in this domain were shown to enhance lung cancer tumorigenicity in vitro. The variant is present in the control population dataset of ExAC and published general population data at an overall frequency 0.008 (962/1217700 chrs tested) including 6 homozygotes. It has particularly higher frequency in African subpopulation with an allele frequency of 2% (134/6576 chromosomes). These frequencies exceed the estimated maximum allele frequency for a pathogenic allele in this gene (0.0000015). The variant has been reported in healthy individuals and metastatic breast cancer, lung cancer and colorectal cancer patients (Liu_2015, Agrawal_2015). However, it has not been associated with increased risk for developing breast cancer in large genome wide association studies and previous laboratory studies have reported conflicting functional effects for the T1010I variant in NIH3T3 fibroblast and murine myeloid BA/F3 cell line models as discussed by Liu et al (Agrawal_2015). The variant is reported as Benign/VUS/Functional Polymorphism by a multiple reputable databases/clinical laboratories and published reports. Taken together, the variant was classified as Benign.

Vantari Genetics
Classification: Uncertain significance for Hereditary cancer-predisposing syndrome. Last evaluated: 2015-12-01. Review status: criteria provided, single submitter. Criteria: ACMG Guidelines, 2015. Collection method: clinical testing. Allele origin: germline.

Lupski Lab, Baylor-Hopkins CMG, Baylor College of Medicine
Classification: Uncertain significance for Diaphragmatic hernia 1. Last evaluated: 2015-03-03. Review status: criteria provided, single submitter. Criteria: Beck et al. (Am J Med Genet A 2015). Collection method: research. Allele origin: germline. Inheritance: Autosomal dominant inheritance. Affected: yes. Observed: 2 variant alleles, 2 heterozygotes.
Comment: It is unclear whether these changes, alone or in aggregate, are contributing to the development of CDH in this family.

Ambry Genetics
Classification: Benign for Hereditary cancer-predisposing syndrome. Last evaluated: 2014-11-20. Review status: criteria provided, single submitter. Criteria: Ambry Variant Classification Scheme 2023. Collection method: clinical testing. Allele origin: germline.

PreventionGenetics, part of Exact Sciences
Classification: Benign for MET-related condition. Last evaluated: 2023-06-15. Review status: no assertion criteria provided. Collection method: clinical testing. Allele origin: germline. Not counted in ClinVar's aggregate classification.
Comment: This variant is classified as benign based on ACMG/AMP sequence variant interpretation guidelines (Richards et al. 2015 PMID: 25741868, with internal and published modifications).

ITMI
No classification provided. Condition: AllHighlyPenetrant. Last evaluated: 2013-09-19. Review status: no classification provided. Collection method: reference population. Allele origin: germline. Not counted in ClinVar's aggregate classification.
Comment: Please see associated publication for description of ethnicities

Biesecker Lab/Clinical Genomics Section, National Institutes of Health
Classification: Benign. Last evaluated: 2012-07-13. Review status: no assertion criteria provided. Collection method: research. Allele origin: germline. Affected: no. Observed: 13 variant alleles. Study: ClinSeq. Not counted in ClinVar's aggregate classification.
ClinVar note: Converted during submission from no known pathogenicity to Benign.

Clinical Genetics, Academic Medical Center
Classification: Likely benign. Review status: no assertion criteria provided. Collection method: clinical testing. Allele origin: germline. Affected: yes. Study: VKGL Data-share Consensus. Not counted in ClinVar's aggregate classification.

Diagnostic Laboratory, Department of Genetics, University Medical Center Groningen
Classification: Likely benign. Review status: no assertion criteria provided. Collection method: clinical testing. Allele origin: germline. Affected: yes. Study: VKGL Data-share Consensus. Not counted in ClinVar's aggregate classification.

Genome Diagnostics Laboratory, Amsterdam University Medical Center
Classification: Benign. Review status: no assertion criteria provided. Collection method: clinical testing. Allele origin: germline. Affected: yes. Study: VKGL Data-share Consensus. Not counted in ClinVar's aggregate classification.

Genome Diagnostics Laboratory, University Medical Center Utrecht
Classification: Benign. Review status: no assertion criteria provided. Collection method: clinical testing. Allele origin: germline. Affected: yes. Study: VKGL Data-share Consensus. Not counted in ClinVar's aggregate classification.

Joint Genome Diagnostic Labs from Nijmegen and Maastricht, Radboudumc and MUMC+
Classification: Benign. Review status: no assertion criteria provided. Collection method: clinical testing. Allele origin: germline. Affected: yes. Study: VKGL Data-share Consensus. Not counted in ClinVar's aggregate classification.

Literature cited by the submitters: PubMed 21970370 (cited by Department of Pathology and Laboratory Medicine, Sinai Health System and Women's Health and Genetics/Laboratory Corporation of America, LabCorp); PubMed 25605252 (cited by Department of Pathology and Laboratory Medicine, Sinai Health System and Women's Health and Genetics/Laboratory Corporation of America, LabCorp); PubMed 25859546 (cited by Women's Health and Genetics/Laboratory Corporation of America, LabCorp); PubMed 14559814 (cited by Women's Health and Genetics/Laboratory Corporation of America, LabCorp); PubMed 24728327 (cited by Women's Health and Genetics/Laboratory Corporation of America, LabCorp and ITMI).